The following is an entry in ClinVar:

NM_004369.4(COL6A3):c.238C>G (p.Leu80Val)

Gene: COL6A3 (collagen type VI alpha 3 chain; minus strand). Cytogenetic location: 2q37.3.
Variant type: single nucleotide variant.
Coding change: c.238C>G on transcript NM_004369.4 (MANE Select); coding-DNA position 238, C replaced by G.
Protein change: p.Leu80Val; replaces leucine 80 with valine.
Molecular consequence: missense variant. On other transcripts: intron variant (4).
Genome position (GRCh38, 1-based): chr2:237,395,058, G>C on the plus strand (C>G on the coding strand, the complement: COL6A3 is on the minus strand). VCF-style: chr2-237395058-G-C. GRCh37 (hg19) VCF-style: chr2-238303701-G-C.
Other names: c.91+1669C>G (NM_057166.5, NM_057167.4, NM_057164.5 and 1 more transcripts); c.238C>G (NM_004369.3); short protein forms L80V.
Identifiers: ClinVar variation 1437153 (VCV001437153.9), dbSNP rs777869450, ClinGen allele CA2189911.
Genomic context (GRCh38, chr2:237,395,058, plus strand): 5'-GTTTAGTACGATACGTATTTAACAGGAACTCGGTATGTGGGTTTCCGTTGAACTGGACCA[G>C]AGCAAAATGGAAATCATTTTCTCCCACAGCTAAGGATTTTACAACATCATATAGAAACTC-3'
Protein context (NP_004360.2, residues 70-90): AVGENDFHFA[Leu80Val]VQFNGNPHTE

ClinVar aggregate classification (germline): Uncertain significance. Review status: criteria provided, multiple submitters, no conflicts (2 of 4 stars). 2 submissions from 2 submitters: Uncertain significance (2). Last evaluated 2026-05-14.

Conditions:
Bethlem myopathy 1A. Also called: Bethlem Muscular Dystrophy; Bethlem myopathy 1; MYOPATHY, BENIGN CONGENITAL, WITH CONTRACTURES. Identifiers: Orphanet 610, MedGen CN029274, MONDO:0024530, OMIM 158810.
Inborn genetic diseases. Identifiers: MedGen C0950123, MeSH D030342.

Allele frequency attached by ClinVar (database versions not stated): ExAC 0.00001; gnomAD exomes below 0.00001.
gnomAD v4.1: 2 of 1,614,118 alleles (0.00012%); highest among the groups gnomAD compares: Non-Finnish European, 0.00017%; no homozygotes.

Submissions (2):

Ambry Genetics
Classification: Uncertain significance for Inborn genetic diseases. Last evaluated: 2026-05-14. Review status: criteria provided, single submitter. Criteria: Ambry Variant Classification Scheme 2023. Collection method: clinical testing. Allele origin: germline.

Labcorp Genetics (formerly Invitae), Labcorp
Classification: Uncertain significance for Bethlem myopathy 1A. Last evaluated: 2021-05-03. Review status: criteria provided, single submitter. Criteria: Invitae Variant Classification Sherloc (09022015). Collection method: clinical testing. Allele origin: germline.
Comment: In summary, the available evidence is currently insufficient to determine the role of this variant in disease. Therefore, it has been classified as a Variant of Uncertain Significance. This sequence change replaces leucine with valine at codon 80 of the COL6A3 protein (p.Leu80Val). The leucine residue is moderately conserved and there is a small physicochemical difference between leucine and valine. This variant is present in population databases (rs777869450, ExAC 0.002%). This variant has not been reported in the literature in individuals with COL6A3-related conditions. Advanced modeling of protein sequence and biophysical properties (such as structural, functional, and spatial information, amino acid conservation, physicochemical variation, residue mobility, and thermodynamic stability) performed at Invitae indicates that this missense variant is not expected to disrupt COL6A3 protein function.